The following is an entry in ClinVar:

Conditions:
Breast-ovarian cancer, familial, susceptibility to, 1 (BROVCA1). Also called: BRCA1 Hereditary Breast and Ovarian Cancer; OVARIAN CANCER, SUSCEPTIBILITY TO. Identifiers: Orphanet 145, MedGen C2676676, MONDO:0011450, OMIM 604370. Disease mechanism: loss of function.

Submission:

Brotman Baty Institute, University of Washington
No classification provided (evidence only). Condition: Breast-ovarian cancer, familial 1. Review status: no classification provided. Collection method: in vitro. Allele origin: not applicable. Functional consequence: functionally_abnormal.
ClinVar note: "not provided" was previously submitted as the classification for the variant. However, the classification appeared to be based only on an observation of functional data so it was converted to no classification on 2025-07-30.

NM_007294.4(BRCA1):c.135-2A>C

Gene: BRCA1 (BRCA1 DNA repair associated; minus strand). Cytogenetic location: 17q21.31.
Variant type: single nucleotide variant.
Coding change: c.135-2A>C on transcript NM_007294.4 (MANE Select); the canonical splice acceptor site of the intron before coding-DNA position 135, A replaced by C.
Molecular consequence: splice acceptor variant. On other transcripts: intron variant (34).
Genome position (GRCh38, 1-based): chr17:43,106,535, T>G on the plus strand (A>C on the coding strand, the complement: BRCA1 is on the minus strand). VCF-style: chr17-43106535-T-G. GRCh37 (hg19) VCF-style: chr17-41258552-T-G.
Other names: c.-7-2A>C (NM_001407920.1, NM_001407696.1, NM_001407751.1 and 99 more transcripts); c.-54-2A>C (NM_001407954.1, NM_001407896.1, NM_001407900.1 and 58 more transcripts); c.135-2A>C (NM_001408422.1, NM_001408450.1, NM_001408434.1 and 167 more transcripts); c.135-1579A>C (NM_001407874.1, NM_001408416.1, NM_001408414.1 and 21 more transcripts); c.-169-1579A>C (NM_001407965.1, NM_001407959.1, NM_001407962.1 and 4 more transcripts); c.-218-11675A>C (NM_001407967.1, NM_001407966.1); c.81-1579A>C (NM_001408451.1).
Identifiers: ClinVar variation 867260 (VCV000867260.4), dbSNP rs80358065, ClinGen allele CA10601887.